The following is an entry in ClinVar:

NM_153704.6(TMEM67):c.1033A>G (p.Lys345Glu)

Gene: TMEM67 (transmembrane protein 67; plus strand). Cytogenetic location: 8q22.1.
Variant type: single nucleotide variant.
Coding change: c.1033A>G on transcript NM_153704.6 (MANE Select); coding-DNA position 1033, A replaced by G.
Protein change: p.Lys345Glu; replaces lysine 345 with glutamic acid.
Molecular consequence: missense variant. On other transcripts: non-coding transcript variant (1).
Genome position (GRCh38, 1-based): chr8:93,781,712, A>G. VCF-style: chr8-93781712-A-G. GRCh37 (hg19) VCF-style: chr8-94793940-A-G.
Other names: c.790A>G, p.Lys264Glu (NM_001142301.1); c.1033A>G (NM_153704.5); short protein forms K345E, K264E.
Identifiers: ClinVar variation 1426478 (VCV001426478.7), dbSNP rs764304394, ClinGen allele CA4807851.
Genomic context (GRCh38, chr8:93,781,712, plus strand): 5'-AATCAGAATACAAAACTGAAGTTTGTTGCTGCTTCCTATGATATAAGAGGAAATTTTCTC[A>G]AGTGGCAAACTTTAGAAGGAGGTGTTTTACAGGTAAGCATGATTCTAGTTAAAGAATTAA-3'
Protein context (NP_714915.3, residues 335-355): ASYDIRGNFL[Lys345Glu]WQTLEGGVLQ

ClinVar aggregate classification (germline): Uncertain significance. Review status: criteria provided, multiple submitters, no conflicts (2 of 4 stars). 4 submissions from 4 submitters: Uncertain significance (4). Last evaluated 2025-05-27.

Conditions:
Nephronophthisis 11 (NPHP11). Identifiers: Orphanet 84081, MedGen C3150796, MONDO:0013302, OMIM 613550.
Bardet-Biedl syndrome 14 (BBS14). Identifiers: Orphanet 110, MedGen C2673874, MONDO:0014442, OMIM 615991.
RHYNS syndrome. Also called: RETINITIS PIGMENTOSA SYNDROME; RETINITIS PIGMENTOSA, HYPOPITUITARISM, NEPHRONOPHTHISIS, AND MILD SKELETAL DYSPLASIA. Identifiers: Orphanet 140976, MedGen C1865794, MONDO:0011202, OMIM 602152.
Meckel syndrome, type 3 (MKS3). Also called: MECKEL-GRUBER SYNDROME, TYPE 3. Identifiers: Orphanet 564, MedGen C1846357, MONDO:0011821, OMIM 607361.
Joubert syndrome 6 (JBTS6). Identifiers: Orphanet 475, MedGen C1853153, MONDO:0012539, OMIM 610688.
COACH syndrome 1. Identifiers: Orphanet 1454, MedGen C5435651, MONDO:0800103, OMIM 216360, MONDO:0008996.
TMEM67-related disorder. Also called: TMEM67-related disorders; TMEM67-related condition. Identifiers: MedGen CN239423.
Meckel-Gruber syndrome. Also called: DYSENCEPHALIA SPLANCHNOCYSTICA; GRUBER SYNDROME; Dysencephalia splachnocystica. Identifiers: Orphanet 564, MedGen C0265215, MONDO:0018921.
Joubert syndrome. Also called: JOUBERT-BOLTSHAUSER SYNDROME; Familial aplasia of the vermis. Identifiers: Orphanet 475, MedGen C5979921, MONDO:0018772.

Allele frequency attached by ClinVar (database versions not stated): ExAC 0.00001; gnomAD exomes 0.00001; gnomAD 0.00003 and 0.00004; TOPMed 0.00009.
gnomAD v4.1: 8 of 1,610,466 alleles (0.0005%); highest among the groups gnomAD compares: Admixed American, 0.0084%; no homozygotes.

Submissions (4):

PreventionGenetics, part of Exact Sciences
Classification: Uncertain significance for TMEM67-related condition. Last evaluated: 2025-05-27. Review status: criteria provided, single submitter. Criteria: ACMG Guidelines, 2015. Collection method: clinical testing. Allele origin: germline.
Comment: The TMEM67 c.1033A>G variant is predicted to result in the amino acid substitution p.Lys345Glu. To our knowledge, this variant has not been reported in the literature. This variant is reported in 0.0062% of alleles in individuals of African descent in gnomAD. At this time, the clinical significance of this variant is uncertain due to the absence of conclusive functional and genetic evidence.

Fulgent Genetics
Classification: Uncertain significance for COACH syndrome 1; RHYNS syndrome; Meckel syndrome, type 3; Joubert syndrome 6; Nephronophthisis 11; Bardet-Biedl syndrome 14. Last evaluated: 2024-04-09. Review status: criteria provided, single submitter. Criteria: ACMG Guidelines, 2015. Collection method: clinical testing. Allele origin: germline.

GeneDx
Classification: Uncertain significance. Last evaluated: 2023-10-03. Review status: criteria provided, single submitter. Criteria: GeneDx Variant Classification Process June 2021. Collection method: clinical testing. Allele origin: germline. Affected: yes.
Comment: Not observed at significant frequency in large population cohorts (gnomAD); In silico analysis supports that this missense variant does not alter protein structure/function; Has not been previously published as pathogenic or benign to our knowledge

Labcorp Genetics (formerly Invitae), Labcorp
Classification: Uncertain significance for Joubert syndrome; Meckel-Gruber syndrome. Last evaluated: 2021-10-05. Review status: criteria provided, single submitter. Criteria: Invitae Variant Classification Sherloc (09022015). Collection method: clinical testing. Allele origin: germline.
Comment: This sequence change replaces lysine with glutamic acid at codon 345 of the TMEM67 protein (p.Lys345Glu). The lysine residue is weakly conserved and there is a small physicochemical difference between lysine and glutamic acid. This variant is present in population databases (rs764304394, ExAC 0.01%). This variant has not been reported in the literature in individuals affected with TMEM67-related conditions. Advanced modeling of protein sequence and biophysical properties (such as structural, functional, and spatial information, amino acid conservation, physicochemical variation, residue mobility, and thermodynamic stability) performed at Invitae indicates that this missense variant is not expected to disrupt TMEM67 protein function. In summary, the available evidence is currently insufficient to determine the role of this variant in disease. Therefore, it has been classified as a Variant of Uncertain Significance.